The following is an entry in ClinVar:

ClinVar aggregate classification (germline): Conflicting classifications of pathogenicity. Review status: criteria provided, conflicting classifications (1 of 4 stars). 4 submissions from 4 submitters: Pathogenic (1); Likely pathogenic (1); Uncertain significance (1). 1 of the submissions does not count toward it. Last evaluated 2025-08-04.

Conditions:
Pyruvate dehydrogenase E3 deficiency (DLDD). Also called: Dihydrolipoamide Dehydrogenase Deficiency; MAPLE SYRUP URINE DISEASE, TYPE III; Dihydrolipoamide Dehydrogenase (E3) Deficiency; DLD DEFICIENCY; Dihydrolipoamide Dehydrogenase E3 Deficiency; E3 DEFICIENCY. Identifiers: Orphanet 2394, Orphanet 765, MedGen C5574660, MONDO:0009529, OMIM 246900.

Allele frequency attached by ClinVar (database versions not stated): gnomAD exomes below 0.00001.
gnomAD v4.1: 2 of 1,613,642 alleles (0.00012%); highest among the groups gnomAD compares: Non-Finnish European, 0.00017%; no homozygotes.

Submissions (4):

Natera, Inc.
Classification: Likely pathogenic for Maple syrup urine disease type 3. Last evaluated: 2025-08-04. Review status: criteria provided, single submitter. Criteria: Natera Variant Classification Schema (03/2026). Collection method: clinical testing. Allele origin: germline.
Comment: The c.140T>C variant in DLD is a missense variant predicted to cause substitution of isoleucine to threonine at amino acid 47. This variant is rare in the general population with a frequency below the threshold expected for the associated phenotype(s). This variant has been observed in one or more individuals affected with the associated recessive disease, as either homozygous or compound heterozygous with a second variant (PMID: 16770810). Computational prediction algorithms indicate this variant is likely to affect gene or protein function. Given the available evidence, this variant is classified as Likely Pathogenic.

Women's Health and Genetics/Laboratory Corporation of America, LabCorp
Classification: Uncertain significance. Last evaluated: 2025-07-02. Review status: criteria provided, single submitter. Criteria: LabCorp Variant Classification Summary - May 2015. Collection method: clinical testing. Allele origin: germline.
Comment: Variant summary: DLD c.140T>C (p.Ile47Thr) results in a non-conservative amino acid change in the encoded protein sequence. Algorithms developed to predict the effect of missense changes on protein structure and function all suggest that this variant is likely to be disruptive. The variant was absent in 251354 control chromosomes. c.140T>C has been observed in individual(s) affected with Dihydrolipoamide Dehydrogenase Deficiency (MSUD Type 3) (Cameron_2006). These data indicate that the variant may be associated with disease. To our knowledge, no experimental evidence demonstrating an impact on protein function has been reported. The following publication have been ascertained in the context of this evaluation (PMID: 16770810). ClinVar contains an entry for this variant (Variation ID: 40188). Based on the evidence outlined above, the variant was classified as VUS-possibly pathogenic.

Labcorp Genetics (formerly Invitae), Labcorp
Classification: Pathogenic for Pyruvate dehydrogenase E3 deficiency. Last evaluated: 2023-09-06. Review status: criteria provided, single submitter. Criteria: Invitae Variant Classification Sherloc (09022015). Collection method: clinical testing. Allele origin: germline.
Comment: This missense change has been observed in individual(s) with dihydrolipoamide dehydrogenase deficiency (PMID: 16770810). In at least one individual the data is consistent with being in trans (on the opposite chromosome) from a pathogenic variant. It has also been observed to segregate with disease in related individuals. This variant is not present in population databases (gnomAD no frequency). This sequence change replaces isoleucine, which is neutral and non-polar, with threonine, which is neutral and polar, at codon 47 of the DLD protein (p.Ile47Thr). ClinVar contains an entry for this variant (Variation ID: 40188). For these reasons, this variant has been classified as Pathogenic. Experimental studies have shown that this missense change affects DLD function (PMID: 16770810). Advanced modeling of protein sequence and biophysical properties (such as structural, functional, and spatial information, amino acid conservation, physicochemical variation, residue mobility, and thermodynamic stability) performed at Invitae indicates that this missense variant is expected to disrupt DLD protein function.

OMIM
Classification: Pathogenic for DIHYDROLIPOAMIDE DEHYDROGENASE DEFICIENCY. Last evaluated: 2006-07-15. Review status: no assertion criteria provided. Collection method: literature only. Allele origin: germline. Not counted in ClinVar's aggregate classification.

Literature cited by the submitters: PubMed 16770810 (cited by 4 submitters).

NM_000108.5(DLD):c.140T>C (p.Ile47Thr)

Gene: DLD (dihydrolipoamide dehydrogenase; plus strand). Cytogenetic location: 7q31.1.
Variant type: single nucleotide variant.
Coding change: c.140T>C on transcript NM_000108.5 (MANE Select); coding-DNA position 140, T replaced by C.
Protein change: p.Ile47Thr; replaces isoleucine 47 with threonine.
Molecular consequence: missense variant. On other transcripts: intron variant (1).
Genome position (GRCh38, 1-based): chr7:107,901,759, T>C. VCF-style: chr7-107901759-T-C. GRCh37 (hg19) VCF-style: chr7-107542204-T-C.
Other names: c.140T>C, p.Ile47Thr (NM_001289751.1, NM_001289752.1); c.-30-1719T>C (NM_001289750.1); c.140T>C (NM_000108.4); short protein forms I47T.
Identifiers: ClinVar variation 40188 (VCV000040188.10), dbSNP rs397514651, ClinGen allele CA261260.